The following is an entry in ClinVar:

ClinVar aggregate classification (germline): Pathogenic (1 of 4 stars; one submission).

Conditions:
Congenital adrenal insufficiency with 46, XY sex reversal OR 46,XY disorder of sex development-adrenal insufficiency due to CYP11A1 deficiency. Also called: P450scc DEFICIENCY; Congenital adrenal insuffiency with 46, XY sex reversal OR 46,XY disorder of sex development-adrenal insufficiency due to CYP11A1 deficiency. Identifiers: Orphanet 168558, MedGen C3151055, MONDO:0013400, OMIM 613743.

Submission:

Myriad Genetics, Inc.
Classification: Pathogenic for Congenital adrenal insufficiency with 46, XY sex reversal OR 46,XY disorder of sex development-adrenal insufficiency due to CYP11A1 deficiency. Last evaluated: 2026-01-23. Review status: criteria provided, single submitter. Criteria: Myriad Autosomal Dominant, Autosomal Recessive and X-Linked Classification Criteria (2023). Collection method: clinical testing. Allele origin: unknown.
Comment: NM_000781.2(CYP11A1):c.166_187del22(D56Tfs*75) is a frameshift variant classified as pathogenic in the context of congenital adrenal hyperplasia, CYP11A1-related. D56Tfs*75 has not been observed in cases with relevant disease. Relevant functional assessments of this variant are not available in the literature. D56Tfs*75 has not been observed in referenced population frequency databases. In summary, NM_000781.2(CYP11A1):c.166_187del22(D56Tfs*75) is a frameshift variant in a gene where loss of function is a known mechanism of disease and is predicted to disrupt protein function. Please note: this variant was assessed in the context of healthy population screening.

NM_000781.3(CYP11A1):c.166_187del (p.Asp56fs)

Gene: CYP11A1 (cytochrome P450 family 11 subfamily A member 1; minus strand). Cytogenetic location: 15q24.1.
Variant type: Deletion.
Coding change: c.166_187del on transcript NM_000781.3 (MANE Select); coding-DNA positions 166 to 187, 22 bases deleted (GACAATGGCTGGCTAAACCTGT).
Protein change: p.Asp56fs; shifts the reading frame from aspartic acid 56.
Molecular consequence: frameshift variant.
Genome position (GRCh38, 1-based): chr15:74,367,399-74,367,420, ACAGGTTTAGCCAGCCATTGTC deleted on the plus strand (GACAATGGCTGGCTAAACCTGT on the coding strand, the reverse complement: CYP11A1 is on the minus strand); deleting any 22 consecutive bases within chr15:74,367,399-74,367,422 gives the same sequence; the c. name uses the placement nearest the transcript's 3' end. VCF-style (leftmost placement, unchanged base first): chr15-74367398-TACAGGTTTAGCCAGCCATTGTC-T. GRCh37 (hg19) VCF-style: chr15-74659739-TACAGGTTTAGCCAGCCATTGTC-T.
Other names: short protein forms D56fs.
Identifiers: ClinVar variation 5004419 (VCV005004419.1).